The following is an entry in ClinVar:

ClinVar aggregate classification (germline): Uncertain significance (1 of 4 stars; one submission).

Conditions:
Autosomal recessive ataxia, Beauce type. Also called: SYNE1-Related Autosomal Recessive Cerebellar Ataxia; Spinocerebellar ataxia, autosomal recessive 8; ATAXIA, RECESSIVE, OF BEAUCE; SYNE1 Deficiency. Identifiers: Orphanet 88644, MedGen C1853116, MONDO:0012549, OMIM 610743.
Emery-Dreifuss muscular dystrophy 4, autosomal dominant (EDMD4). Also called: EMERY-DREIFUSS MUSCULAR DYSTROPHY 4 WITH VARIABLE FEATURES. Identifiers: Orphanet 261, MedGen C2751807, MONDO:0013071, OMIM 612998.

Submission:

Labcorp Genetics (formerly Invitae), Labcorp
Classification: Uncertain significance for Emery-Dreifuss muscular dystrophy 4, autosomal dominant; Autosomal recessive ataxia, Beauce type. Last evaluated: 2022-01-21. Review status: criteria provided, single submitter. Criteria: Invitae Variant Classification Sherloc (09022015). Collection method: clinical testing. Allele origin: germline.
Comment: This sequence change replaces threonine, which is neutral and polar, with serine, which is neutral and polar, at codon 4434 of the SYNE1 protein (p.Thr4434Ser). This variant is not present in population databases (gnomAD no frequency). This variant has not been reported in the literature in individuals affected with SYNE1-related conditions. Algorithms developed to predict the effect of missense changes on protein structure and function (SIFT, PolyPhen-2, Align-GVGD) all suggest that this variant is likely to be tolerated. In summary, the available evidence is currently insufficient to determine the role of this variant in disease. Therefore, it has been classified as a Variant of Uncertain Significance.

NM_182961.4(SYNE1):c.13513A>T (p.Thr4505Ser)

Gene: SYNE1 (spectrin repeat containing nuclear envelope protein 1; minus strand). Cytogenetic location: 6q25.2.
Variant type: single nucleotide variant.
Coding change: c.13513A>T on transcript NM_182961.4 (MANE Select); coding-DNA position 13513, A replaced by T.
Protein change: p.Thr4505Ser; replaces threonine 4505 with serine.
Molecular consequence: missense variant.
Genome position (GRCh38, 1-based): chr6:152,331,172, T>A on the plus strand (A>T on the coding strand, the complement: SYNE1 is on the minus strand). VCF-style: chr6-152331172-T-A. GRCh37 (hg19) VCF-style: chr6-152652307-T-A.
Other names: c.13300A>T, p.Thr4434Ser (NM_033071.5); short protein forms T4505S, T4434S.
Identifiers: ClinVar variation 2157353 (VCV002157353.1), dbSNP rs2485234978, ClinGen allele CA366101513.
Genomic context (GRCh38, chr6:152,331,172, plus strand): 5'-TGACTTCCTTCATTAGTTCGCGACCCTGGGCCCAAAGTCCAGTGACTTCATTTTGGTAAG[T>A]CTTGAGGCTGGCTTGTGCACTCTTACATGTTTTGACTTGTTTGCTCACATCATCTGGTAA-3'
Protein context (NP_892006.3, residues 4495-4515): TCKSAQASLK[Thr4505Ser]YQNEVTGLWA